The following is an entry in ClinVar:

NM_002524.5(NRAS):c.434C>T (p.Ser145Leu)

Gene: NRAS (NRAS proto-oncogene, GTPase; minus strand). Cytogenetic location: 1p13.2.
Variant type: single nucleotide variant.
Coding change: c.434C>T on transcript NM_002524.5 (MANE Select); coding-DNA position 434, C replaced by T.
Protein change: p.Ser145Leu; replaces serine 145 with leucine.
Molecular consequence: missense variant.
Genome position (GRCh38, 1-based): chr1:114,709,585, G>A on the plus strand (C>T on the coding strand, the complement: NRAS is on the minus strand). VCF-style: chr1-114709585-G-A. GRCh37 (hg19) VCF-style: chr1-115252206-G-A.
Other names: short protein forms S145L.
Identifiers: ClinVar variation 543964 (VCV000543964.10), dbSNP rs1163400692, ClinGen allele CA341739082.

ClinVar aggregate classification (germline): Uncertain significance (1 of 4 stars; one submission).

Conditions:
RASopathy. Also called: Noonan spectrum disorder; rasopathies. Identifiers: Orphanet 536391, MedGen C5555857, MONDO:0021060.

Allele frequency attached by ClinVar (database versions not stated): gnomAD 0.00001; TOPMed below 0.00001.
gnomAD v4.1: 2 of 1,613,986 alleles (0.00012%); highest among the groups gnomAD compares: African/African-American, 0.0027%; no homozygotes.

Submission:

Labcorp Genetics (formerly Invitae), Labcorp
Classification: Uncertain significance for RASopathy. Last evaluated: 2019-07-04. Review status: criteria provided, single submitter. Criteria: Invitae Variant Classification Sherloc (09022015). Collection method: clinical testing. Allele origin: germline.
Comment: This sequence change replaces serine with leucine at codon 145 of the NRAS protein (p.Ser145Leu). The serine residue is highly conserved and there is a large physicochemical difference between serine and leucine. This variant is not present in population databases (ExAC no frequency). This variant has not been reported in the literature in individuals with NRAS-related disease. Algorithms developed to predict the effect of missense changes on protein structure and function (SIFT, PolyPhen-2, Align-GVGD) all suggest that this variant is likely to be disruptive, but these predictions have not been confirmed by published functional studies and their clinical significance is uncertain. In summary, the available evidence is currently insufficient to determine the role of this variant in disease. Therefore, it has been classified as a Variant of Uncertain Significance.